The following is an entry in ClinVar:

ClinVar aggregate classification (germline): Conflicting classifications of pathogenicity. Review status: criteria provided, conflicting classifications (1 of 4 stars). 3 submissions from 3 submitters: Uncertain significance (2); Likely benign (1). Last evaluated 2026-02-03.

Conditions:
Episodic ataxia type 2 (EA2). Also called: ATAXIA, EPISODIC, WITH NYSTAGMUS; ATAXIA, FAMILIAL PAROXYSMAL; CEREBELLAR ATAXIA, PAROXYSMAL, ACETAZOLAMIDE-RESPONSIVE; CEREBELLOPATHY, HEREDITARY PAROXYSMAL; EPISODIC ATAXIA, NYSTAGMUS-ASSOCIATED; ACETAZOLAMIDE-RESPONSIVE HEREDITARY PAROXYSMAL CEREBELLAR ATAXIA. Identifiers: Orphanet 97, MedGen C1720416, MONDO:0007163, OMIM 108500.
Developmental and epileptic encephalopathy, 42 (DEE42A). Also called: Epileptic encephalopathy, early infantile, 42; DEVELOPMENTAL AND EPILEPTIC ENCEPHALOPATHY 42A; EPILEPTIC ENCEPHALOPATHY, EARLY INFANTILE, 42A. Identifiers: MedGen C4310716, MONDO:0014917, OMIM 617106.

Allele frequency attached by ClinVar (database versions not stated): gnomAD exomes 0.00001; gnomAD 0.00003 and 0.00004; TOPMed 0.00005.
gnomAD v4.1: 57 of 1,543,052 alleles (0.0037%); highest among the groups gnomAD compares: Middle Eastern, 0.086%; no homozygotes.

Submissions (3):

Women's Health and Genetics/Laboratory Corporation of America, LabCorp
Classification: Uncertain significance. Last evaluated: 2026-02-03. Review status: criteria provided, single submitter. Criteria: LabCorp Variant Classification Summary - May 2015. Collection method: clinical testing. Allele origin: germline.
Comment: Variant summary: CACNA1A c.6734G>A (p.Arg2245His) results in a non-conservative amino acid change in the encoded protein sequence. Algorithms developed to predict the effect of missense changes on protein structure and function are either unavailable or do not agree on the potential impact of this missense change. The variant allele was found at a frequency of 6.6e-06 in 151684 control chromosomes. The available data on variant occurrences in the general population are insufficient to allow any conclusion about variant significance. To our knowledge, no occurrence of c.6734G>A in individuals affected with CACNA1A-related conditions and no experimental evidence demonstrating its impact on protein function have been reported. ClinVar contains an entry for this variant (Variation ID: 383246). Based on the evidence outlined above, the variant was classified as uncertain significance.

Labcorp Genetics (formerly Invitae), Labcorp
Classification: Uncertain significance for Developmental and epileptic encephalopathy, 42; Episodic ataxia type 2. Last evaluated: 2025-11-03. Review status: criteria provided, single submitter. Criteria: Invitae Variant Classification Sherloc (09022015). Collection method: clinical testing. Allele origin: germline.
Comment: This sequence change replaces arginine, which is basic and polar, with histidine, which is basic and polar, at codon 2245 of the CACNA1A protein (p.Arg2245His). The frequency data for this variant in the population databases is considered unreliable, as metrics indicate poor data quality at this position in the gnomAD database. This variant has not been reported in the literature in individuals affected with CACNA1A-related conditions. ClinVar contains an entry for this variant (Variation ID: 383246). Invitae Evidence Modeling of protein sequence and biophysical properties (such as structural, functional, and spatial information, amino acid conservation, physicochemical variation, residue mobility, and thermodynamic stability) indicates that this missense variant is not expected to disrupt CACNA1A protein function with a negative predictive value of 95%. In summary, the available evidence is currently insufficient to determine the role of this variant in disease. Therefore, it has been classified as a Variant of Uncertain Significance.

GeneDx
Classification: Likely benign. Last evaluated: 2021-01-19. Review status: criteria provided, single submitter. Criteria: GeneDx Variant Classification Process June 2021. Collection method: clinical testing. Allele origin: germline. Affected: yes.
Comment: Has not been previously published as pathogenic or benign to our knowledge

NM_001127222.2(CACNA1A):c.6731G>A (p.Arg2244His)

Genes: CACNA1A (calcium voltage-gated channel subunit alpha1 A; minus strand), LOC130063717 (ATAC-STARR-seq lymphoblastoid silent region 10203; plus strand). Cytogenetic location: 19p13.13.
Variant type: single nucleotide variant.
Coding change: c.6731G>A on transcript NM_001127222.2 (MANE Select); coding-DNA position 6731, G replaced by A.
Protein change: p.Arg2244His; replaces arginine 2244 with histidine.
Molecular consequence: missense variant.
Genome position (GRCh38, 1-based): chr19:13,208,805, C>T on the plus strand (G>A on the coding strand, the complement: CACNA1A is on the minus strand). VCF-style: chr19-13208805-C-T. GRCh37 (hg19) VCF-style: chr19-13319619-C-T.
Other names: c.6749G>A, p.Arg2250His (NM_000068.4, NM_023035.3); c.6734G>A, p.Arg2245His (NM_001127221.2); c.6740G>A, p.Arg2247His (NM_001174080.2); short protein forms R2245H, R2244H, R2250H, R2247H.
Identifiers: ClinVar variation 383246 (VCV000383246.14), dbSNP rs1057521565, ClinGen allele CA16608108.